The following is an entry in ClinVar:

NM_002529.4(NTRK1):c.2143G>C (p.Val715Leu)

Gene: NTRK1 (neurotrophic receptor tyrosine kinase 1; plus strand). Cytogenetic location: 1q23.1.
Variant type: single nucleotide variant.
Coding change: c.2143G>C on transcript NM_002529.4 (MANE Select); coding-DNA position 2143, G replaced by C.
Protein change: p.Val715Leu; replaces valine 715 with leucine.
Molecular consequence: missense variant.
Genome position (GRCh38, 1-based): chr1:156,880,095, G>C. VCF-style: chr1-156880095-G-C. GRCh37 (hg19) VCF-style: chr1-156849887-G-C.
Other names: c.2035G>C, p.Val679Leu (NM_001007792.1); c.2125G>C, p.Val709Leu (NM_001012331.2); short protein forms V679L, V709L, V715L.
Identifiers: ClinVar variation 3251807 (VCV003251807.1), dbSNP rs759190964.
Genomic context (GRCh38, chr1:156,880,095, plus strand): 5'-CCGCCCGAGAGCATCCTGTACCGTAAGTTCACCACCGAGAGCGACGTGTGGAGCTTCGGC[G>C]TGGTGCTCTGGGAGATCTTCACCTACGGCAAGCAGCCCTGGTACCAGCTCTCCAACACGG-3'
Protein context (NP_002520.2, residues 705-725): TTESDVWSFG[Val715Leu]VLWEIFTYGK

ClinVar aggregate classification (germline): Likely pathogenic (1 of 4 stars; one submission).

Conditions:
Hereditary insensitivity to pain with anhidrosis (CIPA). Also called: INSENSITIVITY TO PAIN, CONGENITAL, WITH ANHIDROSIS; HSAN Type IV; FAMILIAL DYSAUTONOMIA, TYPE II; NEUROPATHY, CONGENITAL SENSORY, WITH ANHIDROSIS; NTRK1 Congenital Insensitivity to Pain with Anhidrosis; hereditary sensory and autonomic neuropathy type 4. Identifiers: Orphanet 642, MedGen C0020074, MONDO:0009746, OMIM 256800.

gnomAD v4.1: 1 of 1,613,600 alleles (0.000062%); highest among the groups gnomAD compares: Admixed American, 0.0017%; no homozygotes.

Submission:

Women's Health and Genetics/Laboratory Corporation of America, LabCorp
Classification: Likely pathogenic for Hereditary insensitivity to pain with anhidrosis. Last evaluated: 2024-04-30. Review status: criteria provided, single submitter. Criteria: LabCorp Variant Classification Summary - May 2015. Collection method: clinical testing. Allele origin: germline.
Comment: Variant summary: NTRK1 c.2125G>C (p.Val709Leu) results in a conservative amino acid change in the encoded protein sequence. Three of five in-silico tools predict a damaging effect of the variant on protein function. The variant allele was found at a frequency of 4e-06 in 251234 control chromosomes. c.2125G>C has been reported in the literature in individuals affected with Hereditary Insensitivity To Pain With Anhidrosis (Shalimar_2007, Bakri_2016). These data indicate that the variant is likely to be associated with disease. At least one publication reports experimental evidence evaluating an impact on protein function, shows an impact on phosphorylation (Zhao_2020). The following publications have been ascertained in the context of this evaluation (PMID: 27761255, 18162686, 32219930). No submitters have cited clinical-significance assessments for this variant to ClinVar. Based on the evidence outlined above, the variant was classified as likely pathogenic.

Literature cited by the submitters: PubMed 32219930; PubMed 18162686; PubMed 27761255.